The following is an entry in ClinVar:

ClinVar aggregate classification (germline): Benign/Likely benign. Review status: criteria provided, multiple submitters, no conflicts (2 of 4 stars). 7 submissions from 7 submitters: Benign (6); Likely benign (1). Last evaluated 2026-02-04.

Conditions:
Cardiovascular phenotype. Identifiers: MedGen CN230736.
Familial thoracic aortic aneurysm and aortic dissection (TAAD). Also called: Thoracic aortic aneurysms and dissections. Identifiers: Orphanet 91387, MedGen C4707243, MONDO:0019625.

Allele frequency attached by ClinVar (database versions not stated): gnomAD exomes 0.44239 and 0.45850; ExAC 0.45290; 1000 Genomes Project 0.49281; 1000 Genomes Project 30x 0.49625; TOPMed 0.51736; gnomAD 0.51750; ESP Exome Variant Server 0.53306.
gnomAD v4.1: 748,646 of 1,612,940 alleles (46%); highest among the groups gnomAD compares: African/African-American, 69%; 176,804 homozygotes.

Submissions (7):

Labcorp Genetics (formerly Invitae), Labcorp
Classification: Benign for Familial thoracic aortic aneurysm and aortic dissection. Last evaluated: 2026-02-04. Review status: criteria provided, single submitter. Criteria: Invitae Variant Classification Sherloc (09022015). Collection method: clinical testing. Allele origin: germline.

Blueprint Genetics
Classification: Likely benign. Last evaluated: 2024-11-26. Review status: criteria provided, single submitter. Criteria: ACMG Guidelines, 2015. Collection method: clinical testing. Allele origin: germline.

Women's Health and Genetics/Laboratory Corporation of America, LabCorp
Classification: Benign. Last evaluated: 2023-04-04. Review status: criteria provided, single submitter. Criteria: LabCorp Variant Classification Summary - May 2015. Collection method: clinical testing. Allele origin: germline.

Mayo Clinic Laboratories, Mayo Clinic
Classification: Benign. Last evaluated: 2021-04-07. Review status: criteria provided, single submitter. Criteria: ACMG Guidelines, 2015. Collection method: clinical testing. Allele origin: germline. Observed: 1 variant allele.

Ambry Genetics
Classification: Benign for Cardiovascular phenotype. Last evaluated: 2018-12-04. Review status: criteria provided, single submitter. Criteria: Ambry Variant Classification Scheme 2023. Collection method: clinical testing. Allele origin: germline.

GeneDx
Classification: Benign. Last evaluated: 2016-09-22. Review status: criteria provided, single submitter. Criteria: GeneDx Variant Classification (06012015). Collection method: clinical testing. Allele origin: germline. Affected: yes.
Comment: This variant is considered likely benign or benign based on one or more of the following criteria: it is a conservative change, it occurs at a poorly conserved position in the protein, it is predicted to be benign by multiple in silico algorithms, and/or has population frequency not consistent with disease.

Breakthrough Genomics
Classification: Benign. Review status: criteria provided, single submitter. Criteria: ACMG Guidelines, 2015. Collection method: not provided. Allele origin: germline. Inheritance: Unknown mechanism. Affected: yes.

NM_005911.6(MAT2A):c.792C>G (p.Arg264=)

Genes: GGCX (gamma-glutamyl carboxylase; minus strand), MAT2A (methionine adenosyltransferase 2A; plus strand). Cytogenetic location: 2p11.2.
Variant type: single nucleotide variant.
Coding change: c.792C>G on transcript NM_005911.6 (MANE Select); coding-DNA position 792, C replaced by G.
Protein change: p.Arg264=; no amino-acid change (arginine 264 retained).
Molecular consequence: synonymous variant.
Genome position (GRCh38, 1-based): chr2:85,542,588, C>G. VCF-style: chr2-85542588-C-G. GRCh37 (hg19) VCF-style: chr2-85769711-C-G.
Other names: p.Arg264=.
Identifiers: ClinVar variation 381190 (VCV000381190.18), dbSNP rs1078004, ClinGen allele CA1741489.